The following is an entry in ClinVar:

NM_001184.4(ATR):c.220C>T (p.His74Tyr)

Gene: ATR (ATR checkpoint kinase; minus strand). Cytogenetic location: 3q23.
Variant type: single nucleotide variant.
Coding change: c.220C>T on transcript NM_001184.4 (MANE Select); coding-DNA position 220, C replaced by T.
Protein change: p.His74Tyr; replaces histidine 74 with tyrosine.
Molecular consequence: missense variant.
Genome position (GRCh38, 1-based): chr3:142,566,193, G>A on the plus strand (C>T on the coding strand, the complement: ATR is on the minus strand). VCF-style: chr3-142566193-G-A. GRCh37 (hg19) VCF-style: chr3-142285035-G-A.
Other names: c.220C>T, p.His74Tyr (NM_001354579.2); short protein forms H74Y.
Identifiers: ClinVar variation 2613961 (VCV002613961.2), dbSNP rs2108494244, ClinGen allele CA354828526.

ClinVar aggregate classification (germline): Uncertain significance (1 of 4 stars; one submission).

Conditions:
Inborn genetic diseases. Identifiers: MedGen C0950123, MeSH D030342.

Submission:

Ambry Genetics
Classification: Uncertain significance for Inborn genetic diseases. Last evaluated: 2023-08-30. Review status: criteria provided, single submitter. Criteria: Ambry Variant Classification Scheme 2023. Collection method: clinical testing. Allele origin: germline.
Comment: The p.H74Y variant (also known as c.220C>T), located in coding exon 3 of the ATR gene, results from a C to T substitution at nucleotide position 220. The histidine at codon 74 is replaced by tyrosine, an amino acid with similar properties. This amino acid position is conserved. In addition, the in silico prediction for this alteration is inconclusive. Since supporting evidence is limited at this time, the clinical significance of this alteration remains unclear.